The following is an entry in ClinVar:

NM_002739.5(PRKCG):c.260G>A (p.Gly87Asp)

Gene: PRKCG (protein kinase C gamma; plus strand). Cytogenetic location: 19q13.42.
Variant type: single nucleotide variant.
Coding change: c.260G>A on transcript NM_002739.5 (MANE Select); coding-DNA position 260, G replaced by A.
Protein change: p.Gly87Asp; replaces glycine 87 with aspartic acid.
Molecular consequence: missense variant.
Genome position (GRCh38, 1-based): chr19:53,884,218, G>A. VCF-style: chr19-53884218-G-A. GRCh37 (hg19) VCF-style: chr19-54387472-G-A.
Other names: c.260G>A, p.Gly87Asp (NM_001316329.2); short protein forms G87D.
Identifiers: ClinVar variation 3775515 (VCV003775515.1).

ClinVar aggregate classification (germline): Uncertain significance (1 of 4 stars; one submission).

Conditions:
Spinocerebellar ataxia type 14 (SCA14). Identifiers: Orphanet 98763, MedGen C1854369, MONDO:0011540, OMIM 605361.

Submission:

3billion
Classification: Uncertain significance for Spinocerebellar ataxia type 14. Last evaluated: 2023-10-11. Review status: criteria provided, single submitter. Criteria: ACMG Guidelines, 2015. Collection method: clinical testing. Allele origin: germline. Affected: yes.
Comment: The variant is not observed in the gnomAD v2.1.1 dataset. Predicted Consequence/Location: Missense changes are a common disease-causing mechanism. In silico tool predictions suggest damaging effect of the variant on gene or gene product [REVEL: 0.72 (>=0.6, sensitivity 0.68 and specificity 0.92); 3Cnet: 0.62 (>=0.6, sensitivity 0.72 and precision 0.9)]. Therefore, this variant is classified as VUS according to the recommendation of ACMG/AMP guideline.